The following is an entry in ClinVar:

ClinVar aggregate classification (germline): Uncertain significance. Review status: criteria provided, multiple submitters, no conflicts (2 of 4 stars). 2 submissions from 2 submitters: Uncertain significance (2). Last evaluated 2024-03-07.

Conditions:
Donnai-Barrow syndrome. Also called: FACIOOCULOACOUSTICORENAL SYNDROME; DBS/FOAR SYNDROME. Identifiers: Orphanet 2143, MedGen C1857277, MONDO:0009104, OMIM 222448.

Allele frequency attached by ClinVar (database versions not stated): gnomAD exomes below 0.00001; gnomAD 0.00001.
gnomAD v4.1: 3 of 1,613,942 alleles (0.00019%); highest among the groups gnomAD compares: East Asian, 0.0022%; no homozygotes.

Submissions (2):

Fulgent Genetics
Classification: Uncertain significance for Donnai-Barrow syndrome. Last evaluated: 2024-03-07. Review status: criteria provided, single submitter. Criteria: ACMG Guidelines, 2015. Collection method: clinical testing. Allele origin: germline.

Labcorp Genetics (formerly Invitae), Labcorp
Classification: Uncertain significance. Last evaluated: 2022-03-04. Review status: criteria provided, single submitter. Criteria: Invitae Variant Classification Sherloc (09022015). Collection method: clinical testing. Allele origin: germline.
Comment: This sequence change falls in intron 11 of the LRP2 gene. It does not directly change the encoded amino acid sequence of the LRP2 protein. It affects a nucleotide within the consensus splice site. This variant is present in population databases (no rsID available, gnomAD 0.007%). This variant has not been reported in the literature in individuals affected with LRP2-related conditions. Variants that disrupt the consensus splice site are a relatively common cause of aberrant splicing (PMID: 17576681, 9536098). Algorithms developed to predict the effect of sequence changes on RNA splicing suggest that this variant is not likely to affect RNA splicing. In summary, the available evidence is currently insufficient to determine the role of this variant in disease. Therefore, it has been classified as a Variant of Uncertain Significance.

Literature cited by the submitters: PubMed 17576681 (cited by Labcorp Genetics (formerly Invitae), Labcorp); PubMed 9536098 (cited by Labcorp Genetics (formerly Invitae), Labcorp).

NM_004525.3(LRP2):c.1341+6T>C

Gene: LRP2 (LDL receptor related protein 2; minus strand). Cytogenetic location: 2q31.1.
Variant type: single nucleotide variant.
Coding change: c.1341+6T>C on transcript NM_004525.3 (MANE Select); 6 bases into the intron after coding-DNA position 1341, T replaced by C.
Molecular consequence: intron variant.
Genome position (GRCh38, 1-based): chr2:169,280,344, A>G on the plus strand (T>C on the coding strand, the complement: LRP2 is on the minus strand). VCF-style: chr2-169280344-A-G. GRCh37 (hg19) VCF-style: chr2-170136854-A-G.
Identifiers: ClinVar variation 2105883 (VCV002105883.2), dbSNP rs1397954783, ClinGen allele CA537536892.